The following is an entry in ClinVar:

NM_133497.4(KCNV2):c.412C>T (p.Leu138=)

Gene: KCNV2 (potassium voltage-gated channel modifier subfamily V member 2; plus strand). Cytogenetic location: 9p24.2.
Variant type: single nucleotide variant.
Coding change: c.412C>T on transcript NM_133497.4 (MANE Select); coding-DNA position 412, C replaced by T.
Protein change: p.Leu138=; no amino-acid change (leucine 138 retained).
Molecular consequence: synonymous variant.
Genome position (GRCh38, 1-based): chr9:2,718,151, C>T. VCF-style: chr9-2718151-C-T. GRCh37 (hg19) VCF-style: chr9-2718151-C-T.
Other names: c.412C>T (NM_133497.3).
Identifiers: ClinVar variation 1955014 (VCV001955014.7), dbSNP rs779113871, ClinGen allele CA4965438.

ClinVar aggregate classification (germline): Likely benign. Review status: criteria provided, multiple submitters, no conflicts (2 of 4 stars). 3 submissions from 3 submitters: Likely benign (3). Last evaluated 2025-07-25.

Conditions:
KCNV2-related disorder. Also called: KCNV2-related condition.

Allele frequency attached by ClinVar (database versions not stated): TOPMed 0.00001; gnomAD exomes 0.00002; ExAC 0.00005.
gnomAD v4.1: 11 of 1,611,748 alleles (0.00068%); highest among the groups gnomAD compares: Admixed American, 0.017%; no homozygotes.

Submissions (3):

PreventionGenetics, part of Exact Sciences
Classification: Likely benign for KCNV2-related condition. Last evaluated: 2025-07-25. Review status: criteria provided, single submitter. Criteria: ACMG Guidelines, 2015. Collection method: clinical testing. Allele origin: germline.
Comment: This variant is classified as likely benign based on ACMG/AMP sequence variant interpretation guidelines (Richards et al. 2015 PMID: 25741868, with internal and published modifications).

Labcorp Genetics (formerly Invitae), Labcorp
Classification: Likely benign. Last evaluated: 2022-03-09. Review status: criteria provided, single submitter. Criteria: Invitae Variant Classification Sherloc (09022015). Collection method: clinical testing. Allele origin: germline.

Blueprint Genetics
Classification: Likely benign. Last evaluated: 2021-10-18. Review status: criteria provided, single submitter. Criteria: ACMG Guidelines, 2015. Collection method: clinical testing. Allele origin: germline.